The following is an entry in ClinVar:

NM_018847.4(KLHL9):c.1394G>A (p.Cys465Tyr)

Gene: KLHL9 (kelch like family member 9; minus strand). Cytogenetic location: 9p21.3.
Variant type: single nucleotide variant.
Coding change: c.1394G>A on transcript NM_018847.4 (MANE Select); coding-DNA position 1394, G replaced by A.
Protein change: p.Cys465Tyr; replaces cysteine 465 with tyrosine.
Molecular consequence: missense variant.
Genome position (GRCh38, 1-based): chr9:21,333,466, C>T on the plus strand (G>A on the coding strand, the complement: KLHL9 is on the minus strand). VCF-style: chr9-21333466-C-T. GRCh37 (hg19) VCF-style: chr9-21333465-C-T.
Other names: short protein forms C465Y.
Identifiers: ClinVar variation 1256281 (VCV001256281.11), dbSNP rs191333137, ClinGen allele CA5010518.

ClinVar aggregate classification (germline): Likely benign. Review status: criteria provided, multiple submitters, no conflicts (2 of 4 stars). 3 submissions from 3 submitters: Likely benign (2). 1 of the submissions does not count toward it. Last evaluated 2024-01-18.

Conditions:
KLHL9-related disorder. Also called: KLHL9-related condition.

Allele frequency attached by ClinVar (database versions not stated): ESP Exome Variant Server 0.00008; gnomAD 0.00009 and 0.00011; TOPMed 0.00016; gnomAD exomes 0.00027; ExAC 0.00030; 1000 Genomes Project 30x 0.00047; 1000 Genomes Project 0.00060.
gnomAD v4.1: 142 of 1,614,224 alleles (0.0088%); highest among the groups gnomAD compares: East Asian, 0.26%; no homozygotes.

Submissions (3):

Labcorp Genetics (formerly Invitae), Labcorp
Classification: Likely benign. Last evaluated: 2024-01-18. Review status: criteria provided, single submitter. Criteria: Invitae Variant Classification Sherloc (09022015). Collection method: clinical testing. Allele origin: germline.

Athena Diagnostics
Classification: Likely benign. Last evaluated: 2021-05-05. Review status: criteria provided, single submitter. Criteria: Athena Diagnostics criteria. Collection method: clinical testing. Allele origin: unknown.

PreventionGenetics, part of Exact Sciences
Classification: Likely benign for KLHL9-related condition. Last evaluated: 2022-03-31. Review status: no assertion criteria provided. Collection method: clinical testing. Allele origin: germline. Not counted in ClinVar's aggregate classification.
Comment: This variant is classified as likely benign based on ACMG/AMP sequence variant interpretation guidelines (Richards et al. 2015 PMID: 25741868, with internal and published modifications).